The following is an entry in ClinVar:

NM_001330311.2(DVL1):c.1685G>C (p.Ser562Thr)

Gene: DVL1 (dishevelled segment polarity protein 1; minus strand). Cytogenetic location: 1p36.33.
Variant type: single nucleotide variant.
Coding change: c.1685G>C on transcript NM_001330311.2 (MANE Select); coding-DNA position 1685, G replaced by C.
Protein change: p.Ser562Thr; replaces serine 562 with threonine.
Molecular consequence: missense variant.
Genome position (GRCh38, 1-based): chr1:1,338,006, C>G on the plus strand (G>C on the coding strand, the complement: DVL1 is on the minus strand). VCF-style: chr1-1338006-C-G. GRCh37 (hg19) VCF-style: chr1-1273386-C-G.
Other names: c.1610G>C, p.Ser537Thr (NM_004421.3); short protein forms S537T, S562T.
Identifiers: ClinVar variation 4748414 (VCV004748414.1).
Genomic context (GRCh38, chr1:1,338,006, plus strand): 5'-GGGGAAGGGCAGGTAGGGGCGGCGTTCTCACCTTCACTCTGCTGACTCCCGGTGCTGCCG[C>G]TGCCATAGCTAAAGCCCGGGTCCTGGTAGGCAGGCGGGAAGCAGGGTGGGGGTCCCGGGT-3'
Protein context (NP_001317240.1, residues 552-572): AYQDPGFSYG[Ser562Thr]GSTGSQQSEG

ClinVar aggregate classification (germline): Uncertain significance (1 of 4 stars; one submission).

Submission:

Labcorp Genetics (formerly Invitae), Labcorp
Classification: Uncertain significance. Last evaluated: 2025-12-18. Review status: criteria provided, single submitter. Criteria: Invitae Variant Classification Sherloc (09022015). Collection method: clinical testing. Allele origin: germline.
Comment: This sequence change replaces serine, which is neutral and polar, with threonine, which is neutral and polar, at codon 537 of the DVL1 protein (p.Ser537Thr). This variant is not present in population databases (gnomAD no frequency). This variant has not been reported in the literature in individuals affected with DVL1-related conditions. Invitae Evidence Modeling of protein sequence and biophysical properties (such as structural, functional, and spatial information, amino acid conservation, physicochemical variation, residue mobility, and thermodynamic stability) indicates that this missense variant is not expected to disrupt DVL1 protein function with a negative predictive value of 80%. In summary, the available evidence is currently insufficient to determine the role of this variant in disease. Therefore, it has been classified as a Variant of Uncertain Significance.